The following is an entry in ClinVar:

NM_000433.4(NCF2):c.1234G>A (p.Asp412Asn)

Gene: NCF2 (neutrophil cytosolic factor 2; minus strand). Cytogenetic location: 1q25.3.
Variant type: single nucleotide variant.
Coding change: c.1234G>A on transcript NM_000433.4 (MANE Select); coding-DNA position 1234, G replaced by A.
Protein change: p.Asp412Asn; replaces aspartic acid 412 with asparagine.
Molecular consequence: missense variant.
Genome position (GRCh38, 1-based): chr1:183,563,251, C>T on the plus strand (G>A on the coding strand, the complement: NCF2 is on the minus strand). VCF-style: chr1-183563251-C-T. GRCh37 (hg19) VCF-style: chr1-183532386-C-T.
Other names: c.1234G>A, p.Asp412Asn (NM_001127651.3); c.991G>A, p.Asp331Asn (NM_001190789.2); c.1099G>A, p.Asp367Asn (NM_001190794.2); c.1126G>A, p.Asp376Asn (NM_001410895.1); short protein forms D367N, D331N, D376N, D412N.
Identifiers: ClinVar variation 2056741 (VCV002056741.4), dbSNP rs2527908908, ClinGen allele CA343704305.

ClinVar aggregate classification (germline): Uncertain significance (1 of 4 stars; one submission).

Conditions:
Granulomatous disease, chronic, autosomal recessive, cytochrome b-positive, type 2. Also called: GRANULOMATOUS DISEASE, CHRONIC, DUE TO NCF2 DEFICIENCY; Chronic Granulomatous Disease, Autosomal Recessive, Cytochrome b-Positive, Type II; GRANULOMATOUS DISEASE, CHRONIC, AUTOSOMAL RECESSIVE, 2; Chronic granulomatous disease due to deficiency of NCF-2; CGD, AUTOSOMAL RECESSIVE CYTOCHROME b-POSITIVE, TYPE II. Identifiers: Orphanet 379, MedGen C1856245, MONDO:0009310, OMIM 233710.

Submission:

Labcorp Genetics (formerly Invitae), Labcorp
Classification: Uncertain significance for Granulomatous disease, chronic, autosomal recessive, cytochrome b-positive, type 2. Last evaluated: 2022-04-24. Review status: criteria provided, single submitter. Criteria: Invitae Variant Classification Sherloc (09022015). Collection method: clinical testing. Allele origin: germline.
Comment: Algorithms developed to predict the effect of missense changes on protein structure and function (SIFT, PolyPhen-2, Align-GVGD) all suggest that this variant is likely to be tolerated. In summary, the available evidence is currently insufficient to determine the role of this variant in disease. Therefore, it has been classified as a Variant of Uncertain Significance. This sequence change replaces aspartic acid, which is acidic and polar, with asparagine, which is neutral and polar, at codon 412 of the NCF2 protein (p.Asp412Asn). This variant is not present in population databases (gnomAD no frequency). This variant has not been reported in the literature in individuals affected with NCF2-related conditions.